The following is an entry in ClinVar:

NC_000013.11:g.48303730C>T

Gene: RB1 (RB transcriptional corepressor 1; plus strand). Cytogenetic location: 13q14.2.
Variant type: single nucleotide variant.
Genome position: GRCh38 VCF-style: chr13-48303730-C-T. GRCh37 (hg19) VCF-style: chr13-48877866-C-T.
Identifiers: ClinVar variation 3710429 (VCV003710429.2).

ClinVar aggregate classification (germline): Uncertain significance (1 of 4 stars; one submission).

Conditions:
Retinoblastoma (RB1). Also called: RETINOBLASTOMA, SOMATIC. Identifiers: Orphanet 790, MedGen C0035335, MeSH D012175, MONDO:0008380, OMIM 180200, HP:0009919. Disease mechanism: loss of function. Inheritance: Both sporadic and heritable forms are tested..

Submission:

Labcorp Genetics (formerly Invitae), Labcorp
Classification: Uncertain significance for Retinoblastoma. Last evaluated: 2024-12-15. Review status: criteria provided, single submitter. Criteria: Invitae Variant Classification Sherloc (09022015). Collection method: clinical testing. Allele origin: germline.
Comment: This variant occurs in a non-coding region of the RB1 gene. It does not change the encoded amino acid sequence of the RB1 protein. This variant is not present in population databases (gnomAD no frequency). This variant has not been reported in the literature in individuals affected with RB1-related conditions. Experimental studies and prediction algorithms are not available or were not evaluated, and the functional significance of this variant is currently unknown. In summary, the available evidence is currently insufficient to determine the role of this variant in disease. Therefore, it has been classified as a Variant of Uncertain Significance.